The following is an entry in ClinVar:

ClinVar aggregate classification (germline): Uncertain significance (1 of 4 stars; one submission).

Allele frequency attached by ClinVar (database versions not stated): gnomAD exomes below 0.00001.
gnomAD v4.1: 2 of 1,614,230 alleles (0.00012%); highest among the groups gnomAD compares: Non-Finnish European, 0.00017%; no homozygotes.

Submission:

Labcorp Genetics (formerly Invitae), Labcorp
Classification: Uncertain significance. Last evaluated: 2025-08-18. Review status: criteria provided, single submitter. Criteria: Invitae Variant Classification Sherloc (09022015). Collection method: clinical testing. Allele origin: germline.
Comment: This sequence change replaces glycine, which is neutral and non-polar, with valine, which is neutral and non-polar, at codon 1006 of the LCT protein (p.Gly1006Val). This variant is not present in population databases (gnomAD no frequency). This variant has not been reported in the literature in individuals affected with LCT-related conditions. ClinVar contains an entry for this variant (Variation ID: 1716780). Invitae Evidence Modeling of protein sequence and biophysical properties (such as structural, functional, and spatial information, amino acid conservation, physicochemical variation, residue mobility, and thermodynamic stability) indicates that this missense variant is not expected to disrupt LCT protein function with a negative predictive value of 80%. In summary, the available evidence is currently insufficient to determine the role of this variant in disease. Therefore, it has been classified as a Variant of Uncertain Significance.

NM_002299.4(LCT):c.3017G>T (p.Gly1006Val)

Gene: LCT (lactase; minus strand). Cytogenetic location: 2q21.3.
Variant type: single nucleotide variant.
Coding change: c.3017G>T on transcript NM_002299.4 (MANE Select); coding-DNA position 3017, G replaced by T.
Protein change: p.Gly1006Val; replaces glycine 1006 with valine.
Molecular consequence: missense variant.
Genome position (GRCh38, 1-based): chr2:135,809,330, C>A on the plus strand (G>T on the coding strand, the complement: LCT is on the minus strand). VCF-style: chr2-135809330-C-A. GRCh37 (hg19) VCF-style: chr2-136566900-C-A.
Other names: short protein forms G1006V.
Identifiers: ClinVar variation 1716780 (VCV001716780.5), dbSNP rs2077711918, ClinGen allele CA348601165.
Genomic context (GRCh38, chr2:135,809,330, plus strand): 5'-GCCTGGGGCAGGTCCCAATGGAACAATGTCACCATGGGAAAGATGTTGCTTGCCACCAAG[C>A]CATTGATCAGCCTGTTGTAATAATCAACCCCATGACTGTTGATAGAGCTGTTTCTCCCAG-3'
Protein context (NP_002290.2, residues 996-1016): GVDYYNRLIN[Gly1006Val]LVASNIFPMV